The following is an entry in ClinVar:

NM_022455.5(NSD1):c.6829T>C (p.Leu2277=)

Gene: NSD1 (nuclear receptor binding SET domain protein 1; plus strand). Cytogenetic location: 5q35.3.
Variant type: single nucleotide variant.
Coding change: c.6829T>C on transcript NM_022455.5 (MANE Select); coding-DNA position 6829, T replaced by C.
Protein change: p.Leu2277=; no amino-acid change (leucine 2277 retained).
Molecular consequence: synonymous variant.
Genome position (GRCh38, 1-based): chr5:177,294,197, T>C. VCF-style: chr5-177294197-T-C. GRCh37 (hg19) VCF-style: chr5-176721198-T-C.
Other names: c.5956T>C, p.Leu1986= (NM_001365684.2, NM_001409308.1, NM_172349.5); c.6829T>C, p.Leu2277= (NM_001409301.1, NM_001409302.1, NM_001409303.1); c.6409T>C, p.Leu2137= (NM_001409304.1); c.6076T>C, p.Leu2026= (NM_001409305.1); c.6067T>C, p.Leu2023= (NM_001409306.1, NM_001409307.1); c.5707T>C, p.Leu1903= (NM_001409309.1).
Identifiers: ClinVar variation 96073 (VCV000096073.29), dbSNP rs28580074, ClinGen allele CA149212.

ClinVar aggregate classification (germline): Benign. Review status: criteria provided, multiple submitters, no conflicts (2 of 4 stars). 9 submissions from 9 submitters: Benign (6). 3 of the submissions do not count toward it. Last evaluated 2026-02-04.

Conditions:
Sotos syndrome (SOTOS). Also called: SOTOS SYNDROME 1; CEREBRAL GIGANTISM; Distinctive facial appearance, overgrowth in childhood, and learning disabilities or delayed development; CHROMOSOME 5q35 DELETION SYNDROME; Sotos' syndrome. Identifiers: Orphanet 821, MedGen C0175695, MONDO:0019349, OMIM 117550.
Inborn genetic diseases. Identifiers: MedGen C0950123, MeSH D030342.

Allele frequency attached by ClinVar (database versions not stated): 1000 Genomes Project 0.77137; gnomAD 0.84910; 1000 Genomes Project 30x 0.78029; TOPMed 0.86832; ESP Exome Variant Server 0.89897.
gnomAD v4.1: 1,388,639 of 1,614,048 alleles (86%); highest among the groups gnomAD compares: African/African-American, 93%; 602,117 homozygotes.

Submissions (9):

Labcorp Genetics (formerly Invitae), Labcorp
Classification: Benign. Last evaluated: 2026-02-04. Review status: criteria provided, single submitter. Criteria: Invitae Variant Classification Sherloc (09022015). Collection method: clinical testing. Allele origin: germline.

Blueprint Genetics
Classification: Benign. Last evaluated: 2024-11-26. Review status: criteria provided, single submitter. Criteria: ACMG Guidelines, 2015. Collection method: clinical testing. Allele origin: germline.

Genome-Nilou Lab
Classification: Benign for Sotos syndrome. Last evaluated: 2021-09-05. Review status: criteria provided, single submitter. Criteria: ACMG Guidelines, 2015. Collection method: clinical testing. Allele origin: germline. Affected: no.

Ambry Genetics
Classification: Benign for Inborn genetic diseases. Last evaluated: 2016-03-11. Review status: criteria provided, single submitter. Criteria: Ambry Variant Classification Scheme 2023. Collection method: clinical testing. Allele origin: germline.

Eurofins Ntd Llc (ga)
Classification: Benign. Last evaluated: 2014-07-03. Review status: criteria provided, single submitter. Criteria: EGL Classification Definitions 2015. Collection method: clinical testing. Allele origin: germline. Observed: 99 variant alleles, 27 heterozygotes, 72 homozygotes.

PreventionGenetics, part of Exact Sciences
Classification: Benign. Review status: criteria provided, single submitter. Criteria: ACMG Guidelines, 2015. Collection method: clinical testing. Allele origin: germline.

Diagnostic Laboratory, Department of Genetics, University Medical Center Groningen
Classification: Benign. Review status: no assertion criteria provided. Collection method: clinical testing. Allele origin: germline. Affected: yes. Study: VKGL Data-share Consensus. Not counted in ClinVar's aggregate classification.

Genetic Services Laboratory, University of Chicago
Classification: Likely benign. Review status: no assertion criteria provided. Collection method: clinical testing. Allele origin: germline. Inheritance: Autosomal dominant inheritance. Not counted in ClinVar's aggregate classification.
Comment: Likely benign based on allele frequency in 1000 Genomes Project or ESP global frequency and its presence in a patient with a rare or unrelated disease phenotype. NOT Sanger confirmed

Joint Genome Diagnostic Labs from Nijmegen and Maastricht, Radboudumc and MUMC+
Classification: Benign. Review status: no assertion criteria provided. Collection method: clinical testing. Allele origin: germline. Affected: yes. Study: VKGL Data-share Consensus. Not counted in ClinVar's aggregate classification.